The following is an entry in ClinVar:

ClinVar aggregate classification (germline): Uncertain significance (1 of 4 stars; one submission).

Conditions:
SEMA3F-related disorder. Also called: SEMA3F-related condition.

Submission:

PreventionGenetics, part of Exact Sciences
Classification: Uncertain significance for SEMA3F-related condition. Last evaluated: 2024-11-21. Review status: criteria provided, single submitter. Criteria: ACMG Guidelines, 2015. Collection method: clinical testing. Allele origin: germline.
Comment: The SEMA3F c.1498G>A variant is predicted to result in the amino acid substitution p.Asp500Asn. To our knowledge, this variant has not been reported in the literature or in a large population database (gnomAD), indicating this variant is rare. At this time, the clinical significance of this variant is uncertain due to the absence of conclusive functional and genetic evidence.

NM_004186.5(SEMA3F):c.1498G>A (p.Asp500Asn)

Gene: SEMA3F (semaphorin 3F; plus strand). Cytogenetic location: 3p21.31.
Variant type: single nucleotide variant.
Coding change: c.1498G>A on transcript NM_004186.5 (MANE Select); coding-DNA position 1498, G replaced by A.
Protein change: p.Asp500Asn; replaces aspartic acid 500 with asparagine.
Molecular consequence: missense variant.
Genome position (GRCh38, 1-based): chr3:50,185,484, G>A. VCF-style: chr3-50185484-G-A. GRCh37 (hg19) VCF-style: chr3-50222917-G-A.
Other names: c.1201G>A, p.Asp401Asn (NM_001318798.2); c.1405G>A, p.Asp469Asn (NM_001318800.2); short protein forms D469N, D401N, D500N.
Identifiers: ClinVar variation 4997439 (VCV004997439.1).
Genomic context (GRCh38, chr3:50,185,484, plus strand): 5'-CCTGCCCGGCCCGTTCCAGACCGCGGGACAGTGCAGAAGGTCATTGTGCTGCCCAAGGAT[G>A]ACCAGGAGTTGGAGGAGCTCATGCTGGAGGAGGTGGAGGTCTTCAAGGTGGGTGTGACAC-3'
Protein context (NP_004177.3, residues 490-510): VQKVIVLPKD[Asp500Asn]QELEELMLEE